The following is an entry in ClinVar:

NM_005633.4(SOS1):c.597A>C (p.Gln199His)

Gene: SOS1 (SOS Ras/Rac guanine nucleotide exchange factor 1; minus strand). Cytogenetic location: 2p22.1.
Variant type: single nucleotide variant.
Coding change: c.597A>C on transcript NM_005633.4 (MANE Select); coding-DNA position 597, A replaced by C.
Protein change: p.Gln199His; replaces glutamine 199 with histidine.
Molecular consequence: missense variant.
Genome position (GRCh38, 1-based): chr2:39,054,737, T>G on the plus strand (A>C on the coding strand, the complement: SOS1 is on the minus strand). VCF-style: chr2-39054737-T-G. GRCh37 (hg19) VCF-style: chr2-39281878-T-G.
Other names: c.576A>C, p.Gln192His (NM_001382394.1); c.597A>C, p.Gln199His (NM_001382395.1); short protein forms Q199H, Q192H.
Identifiers: ClinVar variation 4843841 (VCV004843841.1), dbSNP rs397517175.

ClinVar aggregate classification (germline): Uncertain significance (1 of 4 stars; one submission).

Conditions:
Cardiovascular phenotype. Identifiers: MedGen CN230736.

gnomAD v4.1: 5 of 1,594,918 alleles (0.00031%); highest among the groups gnomAD compares: Non-Finnish European, 0.00043%; no homozygotes.

Submission:

Ambry Genetics
Classification: Uncertain significance for Cardiovascular phenotype. Last evaluated: 2025-12-19. Review status: criteria provided, single submitter. Criteria: Ambry Variant Classification Scheme 2023. Collection method: clinical testing. Allele origin: germline.
Comment: The p.Q199H variant (also known as c.597A>C), located in coding exon 5 of the SOS1 gene, results from an A to C substitution at nucleotide position 597. The glutamine at codon 199 is replaced by histidine, an amino acid with highly similar properties. This amino acid position is conserved. In addition, the in silico prediction for this alteration is inconclusive. Based on the available evidence, the clinical significance of this variant remains unclear.